The following is an entry in ClinVar:

NM_000179.3(MSH6):c.3358G>T (p.Glu1120Ter)

Gene: MSH6 (mutS homolog 6; plus strand). Cytogenetic location: 2p16.3.
Variant type: single nucleotide variant.
Coding change: c.3358G>T on transcript NM_000179.3 (MANE Select); coding-DNA position 3358, G replaced by T.
Protein change: p.Glu1120Ter; replaces glutamic acid 1120 with a stop codon.
Molecular consequence: nonsense.
Genome position (GRCh38, 1-based): chr2:47,803,605, G>T. VCF-style: chr2-47803605-G-T. GRCh37 (hg19) VCF-style: chr2-48030744-G-T.
Other names: c.2968G>T, p.Glu990Ter (NM_001281492.2); c.2452G>T, p.Glu818Ter (NM_001281493.2, NM_001281494.2); short protein forms E1120*, E818*, E990*.
Identifiers: ClinVar variation 428432 (VCV000428432.8), dbSNP rs1114167793, ClinGen allele CA346758771.
Genomic context (GRCh38, chr2:47,803,605, plus strand): 5'-ACGAAGACTTTTTTTGGAGATGATTTTATTCCTAATGACATTCTAATAGGCTGTGAGGAA[G>T]AGGAGCAGGAAAATGGCAAAGCCTATTGTGTGCTTGTTACTGGACCAAATATGGGGGGCA-3'

ClinVar aggregate classification (germline): Pathogenic. Review status: criteria provided, multiple submitters, no conflicts (2 of 4 stars). 3 submissions from 3 submitters: Pathogenic (3). Last evaluated 2024-02-02.

Conditions:
Lynch syndrome 5 (LYNCH5). Also called: Hereditary non-polyposis colorectal cancer, type 5; Colorectal cancer, hereditary nonpolyposis, type 5. Identifiers: Orphanet 144, MedGen C1833477, MONDO:0013710, OMIM 614350. Disease mechanism: loss of function.
Hereditary nonpolyposis colorectal neoplasms. Identifiers: MedGen C0009405, MeSH D003123.
Hereditary cancer-predisposing syndrome. Also called: Hereditary Cancer Syndrome; Neoplastic Syndromes, Hereditary; Hereditary neoplastic syndrome; Tumor predisposition. Identifiers: Orphanet 140162, MedGen C0027672, MeSH D009386, MONDO:0015356.

Submissions (3):

Labcorp Genetics (formerly Invitae), Labcorp
Classification: Pathogenic for Hereditary nonpolyposis colorectal neoplasms. Last evaluated: 2024-02-02. Review status: criteria provided, single submitter. Criteria: Invitae Variant Classification Sherloc (09022015). Collection method: clinical testing. Allele origin: germline.
Comment: This sequence change creates a premature translational stop signal (p.Glu1120*) in the MSH6 gene. It is expected to result in an absent or disrupted protein product. Loss-of-function variants in MSH6 are known to be pathogenic (PMID: 18269114, 24362816). This variant is not present in population databases (gnomAD no frequency). This variant has not been reported in the literature in individuals affected with MSH6-related conditions. ClinVar contains an entry for this variant (Variation ID: 428432). For these reasons, this variant has been classified as Pathogenic.

Myriad Genetics, Inc.
Classification: Pathogenic for Lynch syndrome 5. Last evaluated: 2023-08-22. Review status: criteria provided, single submitter. Criteria: Myriad Autosomal Dominant, Autosomal Recessive and X-Linked Classification Criteria (2023). Collection method: clinical testing. Allele origin: unknown.
Comment: This variant is considered pathogenic. This variant creates a termination codon and is predicted to result in premature protein truncation.

Ambry Genetics
Classification: Pathogenic for Hereditary cancer-predisposing syndrome. Last evaluated: 2019-02-22. Review status: criteria provided, single submitter. Criteria: Ambry Variant Classification Scheme 2023. Collection method: clinical testing. Allele origin: germline.
Comment: The p.E1120* pathogenic mutation (also known as c.3358G>T), located in coding exon 5 of the MSH6 gene, results from a G to T substitution at nucleotide position 3358. This changes the amino acid from a glutamic acid to a stop codon within coding exon 5. This alteration is expected to result in loss of function by premature protein truncation or nonsense-mediated mRNA decay. As such, this alteration is interpreted as a disease-causing mutation.

Literature cited by the submitters: PubMed 18269114 (cited by Labcorp Genetics (formerly Invitae), Labcorp); PubMed 24362816 (cited by Labcorp Genetics (formerly Invitae), Labcorp).